The following is an entry in ClinVar:

ClinVar aggregate classification (germline): Uncertain significance (1 of 4 stars; one submission).

Allele frequency attached by ClinVar (database versions not stated): TOPMed below 0.00001; gnomAD 0.00001; gnomAD exomes 0.00002; ExAC 0.00012.
gnomAD v4.1: 12 of 1,576,946 alleles (0.00076%); highest among the groups gnomAD compares: Admixed American, 0.021%; no homozygotes.

Submission:

Labcorp Genetics (formerly Invitae), Labcorp
Classification: Uncertain significance. Last evaluated: 2022-07-25. Review status: criteria provided, single submitter. Criteria: Invitae Variant Classification Sherloc (09022015). Collection method: clinical testing. Allele origin: germline.
Comment: This sequence change replaces aspartic acid, which is acidic and polar, with asparagine, which is neutral and polar, at codon 69 of the CYP4V2 protein (p.Asp69Asn). This variant is present in population databases (rs758390423, gnomAD 0.04%). This variant has not been reported in the literature in individuals affected with CYP4V2-related conditions. Advanced modeling of protein sequence and biophysical properties (such as structural, functional, and spatial information, amino acid conservation, physicochemical variation, residue mobility, and thermodynamic stability) performed at Invitae indicates that this missense variant is not expected to disrupt CYP4V2 protein function. In summary, the available evidence is currently insufficient to determine the role of this variant in disease. Therefore, it has been classified as a Variant of Uncertain Significance.

NM_207352.4(CYP4V2):c.205G>A (p.Asp69Asn)

Gene: CYP4V2 (cytochrome P450 family 4 subfamily V member 2; plus strand). Cytogenetic location: 4q35.1.
Variant type: single nucleotide variant.
Coding change: c.205G>A on transcript NM_207352.4 (MANE Select); coding-DNA position 205, G replaced by A.
Protein change: p.Asp69Asn; replaces aspartic acid 69 with asparagine.
Molecular consequence: missense variant.
Genome position (GRCh38, 1-based): chr4:186,192,028, G>A. VCF-style: chr4-186192028-G-A. GRCh37 (hg19) VCF-style: chr4-187113182-G-A.
Other names: short protein forms D69N.
Identifiers: ClinVar variation 2076071 (VCV002076071.1), dbSNP rs758390423, ClinGen allele CA3162437.